The following is an entry in ClinVar:

NM_000155.4(GALT):c.1052C>T (p.Pro351Leu)

Gene: GALT (galactose-1-phosphate uridylyltransferase; plus strand). Cytogenetic location: 9p13.3.
Variant type: single nucleotide variant.
Coding change: c.1052C>T on transcript NM_000155.4 (MANE Select); coding-DNA position 1052, C replaced by T.
Protein change: p.Pro351Leu; replaces proline 351 with leucine.
Molecular consequence: missense variant.
Genome position (GRCh38, 1-based): chr9:34,649,557, C>T. VCF-style: chr9-34649557-C-T. GRCh37 (hg19) VCF-style: chr9-34649554-C-T.
Other names: c.725C>T, p.Pro242Leu (NM_001258332.2); short protein forms P242L, P351L.
Identifiers: ClinVar variation 3664692 (VCV003664692.1).

ClinVar aggregate classification (germline): Uncertain significance (1 of 4 stars; one submission).

Conditions:
Deficiency of UDPglucose-hexose-1-phosphate uridylyltransferase. Also called: GALT deficiency; Galactosemia, classic; GALACTOSEMIA I; GALACTOSE-1-PHOSPHATE URIDYLYLTRANSFERASE DEFICIENCY; Transferase Deficiency Galactosemia. Identifiers: Orphanet 352, Orphanet 79239, MedGen C0268151, MONDO:0009258, OMIM 230400.

Submission:

Labcorp Genetics (formerly Invitae), Labcorp
Classification: Uncertain significance for Deficiency of UDPglucose-hexose-1-phosphate uridylyltransferase. Last evaluated: 2024-11-27. Review status: criteria provided, single submitter. Criteria: Invitae Variant Classification Sherloc (09022015). Collection method: clinical testing. Allele origin: germline.
Comment: This sequence change replaces proline, which is neutral and non-polar, with leucine, which is neutral and non-polar, at codon 351 of the GALT protein (p.Pro351Leu). This variant is not present in population databases (gnomAD no frequency). This variant has not been reported in the literature in individuals affected with GALT-related conditions. Invitae Evidence Modeling of protein sequence and biophysical properties (such as structural, functional, and spatial information, amino acid conservation, physicochemical variation, residue mobility, and thermodynamic stability) indicates that this missense variant is expected to disrupt GALT protein function with a positive predictive value of 95%. In summary, the available evidence is currently insufficient to determine the role of this variant in disease. Therefore, it has been classified as a Variant of Uncertain Significance.